The following is an entry in ClinVar:

NM_001354712.2(THRB):c.532+8G>C

Gene: THRB (thyroid hormone receptor beta; minus strand). Cytogenetic location: 3p24.2.
Variant type: single nucleotide variant.
Coding change: c.532+8G>C on transcript NM_001354712.2 (MANE Select); 8 bases into the intron after coding-DNA position 532, G replaced by C.
Molecular consequence: intron variant.
Genome position (GRCh38, 1-based): chr3:24,146,667, C>G on the plus strand (G>C on the coding strand, the complement: THRB is on the minus strand). VCF-style: chr3-24146667-C-G. GRCh37 (hg19) VCF-style: chr3-24188158-C-G.
Other names: c.532+8G>C (NM_001354708.2, NM_001354711.2, NM_001354710.2 and 6 more transcripts); c.439+8G>C (NM_001354714.2, NM_001354715.2).
Identifiers: ClinVar variation 592487 (VCV000592487.11), dbSNP rs146617205, ClinGen allele CA2287240.

ClinVar aggregate classification (germline): Conflicting classifications of pathogenicity. Review status: criteria provided, conflicting classifications (1 of 4 stars). 4 submissions from 4 submitters: Uncertain significance (1); Benign (1); Likely benign (2). Last evaluated 2024-04-03.

Allele frequency attached by ClinVar (database versions not stated): gnomAD exomes 0.00009 and 0.00028; ExAC 0.00034; 1000 Genomes Project 30x 0.00047; 1000 Genomes Project 0.00060; ESP Exome Variant Server 0.00100; gnomAD 0.00106 and 0.00116; TOPMed 0.00135.
gnomAD v4.1: 315 of 1,613,980 alleles (0.02%); highest among the groups gnomAD compares: African/African-American, 0.34%; 1 homozygote.

Submissions (4):

Women's Health and Genetics/Laboratory Corporation of America, LabCorp
Classification: Likely benign. Last evaluated: 2024-04-03. Review status: criteria provided, single submitter. Criteria: LabCorp Variant Classification Summary - May 2015. Collection method: clinical testing. Allele origin: germline.
Comment: Variant summary: THRB c.532+8G>C alters a nucleotide located close to a canonical splice site and therefore could affect mRNA splicing, leading to a significantly altered protein sequence. Consensus agreement among computation tools predict no significant impact on normal splicing. However, these predictions have yet to be confirmed by functional studies. The variant allele was found at a frequency of 0.00028 in 251144 control chromosomes, predominantly at a frequency of 0.004 within the African or African-American subpopulation in the gnomAD database, suggesting that the variant is a benign polymorphism found primarily in populations of African or African-American origin. To our knowledge, no occurrence of c.532+8G>C in individuals affected with Thyroid Hormone Resistance, Generalized, Autosomal Dominant and no experimental evidence demonstrating its impact on protein function have been reported. ClinVar contains an entry for this variant (Variation ID: 592487). Based on the evidence outlined above, the variant was classified as likely benign.

Blueprint Genetics
Classification: Likely benign. Last evaluated: 2024-02-19. Review status: criteria provided, single submitter. Criteria: ACMG Guidelines, 2015. Collection method: clinical testing. Allele origin: germline.

Labcorp Genetics (formerly Invitae), Labcorp
Classification: Benign. Last evaluated: 2018-05-02. Review status: criteria provided, single submitter. Criteria: Invitae Variant Classification Sherloc (09022015). Collection method: clinical testing. Allele origin: germline.

Eurofins Ntd Llc (ga)
Classification: Uncertain significance. Last evaluated: 2017-10-20. Review status: criteria provided, single submitter. Criteria: EGL Classification Definitions 2015. Collection method: clinical testing. Allele origin: germline. Observed: 2 variant alleles, 2 heterozygotes.